The following is an entry in ClinVar:

NM_001267550.2(TTN):c.107098G>A (p.Asp35700Asn)

Genes: TTN (titin; minus strand), TTN-AS1 (TTN antisense RNA 1; plus strand). Cytogenetic location: 2q31.2.
Variant type: single nucleotide variant.
Coding change: c.107098G>A on transcript NM_001267550.2 (MANE Select); coding-DNA position 107098, G replaced by A.
Protein change: p.Asp35700Asn; replaces aspartic acid 35700 with asparagine.
Molecular consequence: missense variant.
Genome position (GRCh38, 1-based): chr2:178,528,653, C>T on the plus strand (G>A on the coding strand, the complement: TTN is on the minus strand). VCF-style: chr2-178528653-C-T. GRCh37 (hg19) VCF-style: chr2-179393380-C-T.
Other names: c.102175G>A, p.Asp34059Asn (NM_001256850.1); c.79903G>A, p.Asp26635Asn (NM_003319.4); c.99394G>A, p.Asp33132Asn (NM_133378.4); c.80278G>A, p.Asp26760Asn (NM_133432.3); c.80479G>A, p.Asp26827Asn (NM_133437.4); short protein forms D26760N, D34059N, D26827N, D33132N, D26635N, D35700N.
Identifiers: ClinVar variation 659506 (VCV000659506.9), dbSNP rs1575190768, ClinGen allele CA349401940.

ClinVar aggregate classification (germline): Uncertain significance (1 of 4 stars; one submission).

Conditions:
Dilated cardiomyopathy 1G (CMD1G). Identifiers: Orphanet 154, MedGen C1858763, MONDO:0011400, OMIM 604145.
Autosomal recessive limb-girdle muscular dystrophy type 2J (LGMDR10). Also called: Limb-girdle muscular dystrophy, type 2J; MUSCULAR DYSTROPHY, LIMB-GIRDLE, AUTOSOMAL RECESSIVE 10. Identifiers: Orphanet 140922, MedGen C1837342, MONDO:0012127, OMIM 608807.

Submission:

Labcorp Genetics (formerly Invitae), Labcorp
Classification: Uncertain significance for Dilated cardiomyopathy 1G; Autosomal recessive limb-girdle muscular dystrophy type 2J. Last evaluated: 2025-11-03. Review status: criteria provided, single submitter. Criteria: Invitae Variant Classification Sherloc (09022015). Collection method: clinical testing. Allele origin: germline.
Comment: This sequence change replaces aspartic acid, which is acidic and polar, with asparagine, which is neutral and polar, at codon 35700 of the TTN protein (p.Asp35700Asn). This variant is not present in population databases (gnomAD no frequency). This variant has not been reported in the literature in individuals affected with TTN-related conditions. ClinVar contains an entry for this variant (Variation ID: 659506). An algorithm developed to predict the effect of missense changes on protein structure and function outputs the following: PolyPhen-2: "Not Available". The asparagine amino acid residue is found in multiple mammalian species, which suggests that this missense change does not adversely affect protein function. This variant is located in the M band of TTN (PMID: 25589632). Non-truncating variants in this region may be relevant for neuromuscular disorders, but have not been definitively shown to cause cardiomyopathy (PMID: 23975875). In summary, the available evidence is currently insufficient to determine the role of this variant in disease. Therefore, it has been classified as a Variant of Uncertain Significance.

Literature cited by the submitters: PubMed 25589632; PubMed 23975875.